The following is an entry in ClinVar:

NM_005861.4(STUB1):c.537G>C (p.Glu179Asp)

Genes: JMJD8 (jumonji domain containing 8; minus strand), STUB1 (STIP1 homology and U-box containing protein 1; plus strand). Cytogenetic location: 16p13.3.
Variant type: single nucleotide variant.
Coding change: c.537G>C on transcript NM_005861.4 (MANE Select); coding-DNA position 537, G replaced by C.
Protein change: p.Glu179Asp; replaces glutamic acid 179 with aspartic acid.
Molecular consequence: missense variant. On other transcripts: 3 prime UTR variant (5), non-coding transcript variant (3).
Genome position (GRCh38, 1-based): chr16:681,805, G>C. VCF-style: chr16-681805-G-C. GRCh37 (hg19) VCF-style: chr16-731805-G-C.
Other names: c.321G>C, p.Glu107Asp (NM_001293197.2); c.*989C>G (NM_001005920.4, NM_001323919.3, NM_001323920.3); c.*1023C>G (NM_001323918.3, NM_001323922.3); short protein forms E107D, E179D.
Identifiers: ClinVar variation 4748808 (VCV004748808.1).

ClinVar aggregate classification (germline): Uncertain significance (1 of 4 stars; one submission).

Submission:

Labcorp Genetics (formerly Invitae), Labcorp
Classification: Uncertain significance. Last evaluated: 2026-01-13. Review status: criteria provided, single submitter. Criteria: Invitae Variant Classification Sherloc (09022015). Collection method: clinical testing. Allele origin: germline.
Comment: This sequence change replaces glutamic acid, which is acidic and polar, with aspartic acid, which is acidic and polar, at codon 179 of the STUB1 protein (p.Glu179Asp). This variant is present in population databases (rs756967274, gnomAD 0.006%). This variant has not been reported in the literature in individuals affected with STUB1-related conditions. Invitae Evidence Modeling of protein sequence and biophysical properties (such as structural, functional, and spatial information, amino acid conservation, physicochemical variation, residue mobility, and thermodynamic stability) indicates that this missense variant is not expected to disrupt STUB1 protein function with a negative predictive value of 80%. In summary, the available evidence is currently insufficient to determine the role of this variant in disease. Therefore, it has been classified as a Variant of Uncertain Significance.